The following is an entry in ClinVar:

NM_005956.4(MTHFD1):c.1513A>G (p.Thr505Ala)

Gene: MTHFD1 (methylenetetrahydrofolate dehydrogenase, cyclohydrolase and formyltetrahydrofolate synthetase 1; plus strand). Cytogenetic location: 14q23.3.
Variant type: single nucleotide variant.
Coding change: c.1513A>G on transcript NM_005956.4 (MANE Select); coding-DNA position 1513, A replaced by G.
Protein change: p.Thr505Ala; replaces threonine 505 with alanine.
Molecular consequence: missense variant.
Genome position (GRCh38, 1-based): chr14:64,435,587, A>G. VCF-style: chr14-64435587-A-G. GRCh37 (hg19) VCF-style: chr14-64902305-A-G.
Other names: c.1513A>G, p.Thr505Ala (NM_001364837.1); short protein forms T505A.
Identifiers: ClinVar variation 1969269 (VCV001969269.5), dbSNP rs2550503313, ClinGen allele CA389993376.

ClinVar aggregate classification (germline): Uncertain significance (1 of 4 stars; one submission).

Submission:

Labcorp Genetics (formerly Invitae), Labcorp
Classification: Uncertain significance. Last evaluated: 2022-08-21. Review status: criteria provided, single submitter. Criteria: Invitae Variant Classification Sherloc (09022015). Collection method: clinical testing. Allele origin: germline.
Comment: This sequence change replaces threonine, which is neutral and polar, with alanine, which is neutral and non-polar, at codon 505 of the MTHFD1 protein (p.Thr505Ala). This variant is not present in population databases (gnomAD no frequency). This variant has not been reported in the literature in individuals affected with MTHFD1-related conditions. Algorithms developed to predict the effect of missense changes on protein structure and function (SIFT, PolyPhen-2, Align-GVGD) all suggest that this variant is likely to be tolerated. In summary, the available evidence is currently insufficient to determine the role of this variant in disease. Therefore, it has been classified as a Variant of Uncertain Significance.